The following is an entry in ClinVar:

NM_000211.5(ITGB2):c.1003G>A (p.Glu335Lys)

Gene: ITGB2 (integrin subunit beta 2; minus strand). Cytogenetic location: 21q22.3.
Variant type: single nucleotide variant.
Coding change: c.1003G>A on transcript NM_000211.5 (MANE Select); coding-DNA position 1003, G replaced by A.
Protein change: p.Glu335Lys; replaces glutamic acid 335 with lysine.
Molecular consequence: missense variant.
Genome position (GRCh38, 1-based): chr21:44,895,051, C>T on the plus strand (G>A on the coding strand, the complement: ITGB2 is on the minus strand). VCF-style: chr21-44895051-C-T. GRCh37 (hg19) VCF-style: chr21-46314966-C-T.
Other names: c.1003G>A, p.Glu335Lys (NM_001127491.3); c.796G>A, p.Glu266Lys (NM_001303238.2); short protein forms E266K, E335K.
Identifiers: ClinVar variation 1388128 (VCV001388128.8), dbSNP rs762699337, ClinGen allele CA10062959.

ClinVar aggregate classification (germline): Uncertain significance (1 of 4 stars; one submission).

Conditions:
Leukocyte adhesion deficiency 1 (LAD1). Also called: LEUKOCYTE ADHESION DEFICIENCY, TYPE I; LAD 1; Lymphocyte function-associated antigen 1 immunodeficiency; LFA 1 immunodeficiency. Identifiers: Orphanet 2968, Orphanet 99842, MedGen C0398738, MONDO:0007293, OMIM 116920.

Allele frequency attached by ClinVar (database versions not stated): ExAC 0.00001; gnomAD exomes 0.00001.
gnomAD v4.1: 10 of 1,613,154 alleles (0.00062%); highest among the groups gnomAD compares: East Asian, 0.0022%; no homozygotes.

Submission:

Labcorp Genetics (formerly Invitae), Labcorp
Classification: Uncertain significance for Leukocyte adhesion deficiency 1. Last evaluated: 2021-07-04. Review status: criteria provided, single submitter. Criteria: Invitae Variant Classification Sherloc (09022015). Collection method: clinical testing. Allele origin: germline.
Comment: This variant has not been reported in the literature in individuals affected with ITGB2-related conditions. In summary, the available evidence is currently insufficient to determine the role of this variant in disease. Therefore, it has been classified as a Variant of Uncertain Significance. Algorithms developed to predict the effect of missense changes on protein structure and function (SIFT, PolyPhen-2, Align-GVGD) all suggest that this variant is likely to be tolerated. This variant is present in population databases (rs762699337, ExAC 0.01%). This sequence change replaces glutamic acid with lysine at codon 335 of the ITGB2 protein (p.Glu335Lys). The glutamic acid residue is highly conserved and there is a small physicochemical difference between glutamic acid and lysine.